The following is an entry in ClinVar:

ClinVar aggregate classification (germline): Uncertain significance (1 of 4 stars; one submission).

Conditions:
Landau-Kleffner syndrome (FESD). Also called: EPILEPSY, FOCAL, WITH SPEECH DISORDER AND WITH OR WITHOUT MENTAL RETARDATION; APHASIA, ACQUIRED, WITH EPILEPSY. Identifiers: Orphanet 1945, Orphanet 725, Orphanet 98818, MedGen C0282512, MONDO:0009509, OMIM 245570.

Submission:

Labcorp Genetics (formerly Invitae), Labcorp
Classification: Uncertain significance for Landau-Kleffner syndrome. Last evaluated: 2022-07-12. Review status: criteria provided, single submitter. Criteria: Invitae Variant Classification Sherloc (09022015). Collection method: clinical testing. Allele origin: germline.
Comment: A copy number gain of the genomic region encompassing the full coding sequence of the GRIN2A gene has been identified. The boundaries of this event are unknown as they extend beyond the assayed region for this gene and therefore may encompass additional genes. As the precise location of this event is unknown, it may be in tandem or it may be located elsewhere in the genome. This variant has not been reported in the literature in individuals affected with GRIN2A-related conditions. In summary, the available evidence is currently insufficient to determine the role of this variant in disease. Therefore, it has been classified as a Variant of Uncertain Significance.

NC_000016.9:g.(?_8829597)_(11683693_?)dup

Genes: DEXI (Dexi homolog; minus strand), EMP2 (epithelial membrane protein 2; minus strand), CLEC16A (C-type lectin domain containing 16A; plus strand), ABAT (4-aminobutyrate aminotransferase; plus strand), ATF7IP2 (activating transcription factor 7 interacting protein 2; plus strand) and 17 more. Cytogenetic location: 16p13.2-13.13.
Variant type: Duplication.
Identifiers: ClinVar variation 2423419 (VCV002423419.2).